The following is an entry in ClinVar:

NM_001374828.1(ARID1B):c.2072C>T (p.Pro691Leu)

Gene: ARID1B (AT-rich interaction domain 1B; plus strand). Cytogenetic location: 6q25.3.
Variant type: single nucleotide variant.
Coding change: c.2072C>T on transcript NM_001374828.1 (MANE Select); coding-DNA position 2072, C replaced by T.
Protein change: p.Pro691Leu; replaces proline 691 with leucine.
Molecular consequence: missense variant.
Genome position (GRCh38, 1-based): chr6:156,901,461, C>T. VCF-style: chr6-156901461-C-T. GRCh37 (hg19) VCF-style: chr6-157222595-C-T.
Other names: c.1823C>T, p.Pro608Leu (NM_001346813.1); c.2111C>T, p.Pro704Leu (NM_001371656.1, NM_001374820.1); c.2072C>T, p.Pro691Leu (NM_017519.3); c.1862C>T, p.Pro621Leu (NM_020732.3); c.1649C>T, p.Pro550Leu (NM_175863.2); short protein forms P691L, P704L, P550L, P608L, P621L.
Identifiers: ClinVar variation 2049591 (VCV002049591.28), dbSNP rs199949701, ClinGen allele CA4066917.

ClinVar aggregate classification (germline): Likely benign. Review status: criteria provided, multiple submitters, no conflicts (2 of 4 stars). 3 submissions from 3 submitters: Likely benign (2). 1 of the submissions does not count toward it. Last evaluated 2025-08-25.

Conditions:
ARID1B-Related Disorder. Identifiers: MedGen CN381337.

Allele frequency attached by ClinVar (database versions not stated): gnomAD 0.00005; TOPMed 0.00008.
gnomAD v4.1: 100 of 1,614,084 alleles (0.0062%); highest among the groups gnomAD compares: African/African-American, 0.0093%; no homozygotes.

Submissions (3):

Labcorp Genetics (formerly Invitae), Labcorp
Classification: Likely benign. Last evaluated: 2025-08-25. Review status: criteria provided, single submitter. Criteria: Invitae Variant Classification Sherloc (09022015). Collection method: clinical testing. Allele origin: germline.

CeGaT Center for Human Genetics Tuebingen
Classification: Likely benign. Last evaluated: 2023-06-01. Review status: criteria provided, single submitter. Criteria: CeGaT Center For Human Genetics Tuebingen Variant Classification Criteria Version 2. Collection method: clinical testing. Allele origin: germline. Affected: yes. Observed: 1 variant allele.
Comment: ARID1B: BP4

PreventionGenetics, part of Exact Sciences
Classification: Likely benign for ARID1B-related condition. Last evaluated: 2024-08-03. Review status: no assertion criteria provided. Collection method: clinical testing. Allele origin: germline. Not counted in ClinVar's aggregate classification.
Comment: This variant is classified as likely benign based on ACMG/AMP sequence variant interpretation guidelines (Richards et al. 2015 PMID: 25741868, with internal and published modifications).